The following is an entry in ClinVar:

NM_003721.4(RFXANK):c.436T>G (p.Trp146Gly)

Gene: RFXANK (regulatory factor X associated ankyrin containing protein; plus strand). Cytogenetic location: 19p13.11.
Variant type: single nucleotide variant.
Coding change: c.436T>G on transcript NM_003721.4 (MANE Select); coding-DNA position 436, T replaced by G.
Protein change: p.Trp146Gly; replaces tryptophan 146 with glycine.
Molecular consequence: missense variant.
Genome position (GRCh38, 1-based): chr19:19,197,619, T>G. VCF-style: chr19-19197619-T-G. GRCh37 (hg19) VCF-style: chr19-19308428-T-G.
Other names: c.370T>G, p.Trp124Gly (NM_001278727.2, NM_001370234.1); c.367T>G, p.Trp123Gly (NM_001278728.2, NM_134440.3); c.436T>G, p.Trp146Gly (NM_001370233.1, NM_001370238.1); c.433T>G, p.Trp145Gly (NM_001370235.1, NM_001370236.1, NM_001370237.1); short protein forms W123G, W145G, W124G, W146G.
Identifiers: ClinVar variation 1491469 (VCV001491469.7), dbSNP rs1301129319, ClinGen allele CA404895164.

ClinVar aggregate classification (germline): Uncertain significance (1 of 4 stars; one submission).

Conditions:
MHC class II deficiency. Also called: Bare lymphocyte syndrome 2; BLS, TYPE II. Identifiers: Orphanet 572, MedGen C5447452, MONDO:0008855.

gnomAD v4.1: 2 of 1,613,086 alleles (0.00012%); highest among the groups gnomAD compares: South Asian, 0.0022%; no homozygotes.

Submission:

Labcorp Genetics (formerly Invitae), Labcorp
Classification: Uncertain significance for MHC class II deficiency. Last evaluated: 2021-04-04. Review status: criteria provided, single submitter. Criteria: Invitae Variant Classification Sherloc (09022015). Collection method: clinical testing. Allele origin: germline.
Comment: This sequence change replaces tryptophan with glycine at codon 146 of the RFXANK protein (p.Trp146Gly). The tryptophan residue is moderately conserved and there is a large physicochemical difference between tryptophan and glycine. This variant is not present in population databases (ExAC no frequency). This variant has not been reported in the literature in individuals with RFXANK-related conditions. Algorithms developed to predict the effect of missense changes on protein structure and function (SIFT, PolyPhen-2, Align-GVGD) all suggest that this variant is likely to be tolerated, but these predictions have not been confirmed by published functional studies and their clinical significance is uncertain. In summary, the available evidence is currently insufficient to determine the role of this variant in disease. Therefore, it has been classified as a Variant of Uncertain Significance.